The following is an entry in ClinVar:

NM_015073.3(SIPA1L3):c.2292-6C>T

Gene: SIPA1L3 (signal induced proliferation associated 1 like 3; plus strand). Cytogenetic location: 19q13.13.
Variant type: single nucleotide variant.
Coding change: c.2292-6C>T on transcript NM_015073.3 (MANE Select); 6 bases into the intron before coding-DNA position 2292, C replaced by T.
Molecular consequence: intron variant.
Genome position (GRCh38, 1-based): chr19:38,119,300, C>T. VCF-style: chr19-38119300-C-T. GRCh37 (hg19) VCF-style: chr19-38609940-C-T.
Other names: c.2292-6C>T (NM_015073.2).
Identifiers: ClinVar variation 2042010 (VCV002042010.7), dbSNP rs182152072, ClinGen allele CA9409667.

ClinVar aggregate classification (germline): Benign/Likely benign. Review status: criteria provided, multiple submitters, no conflicts (2 of 4 stars). 3 submissions from 3 submitters: Benign (1); Likely benign (1). 1 of the submissions does not count toward it. Last evaluated 2025-05-27.

Conditions:
SIPA1L3-related disorder. Also called: SIPA1L3-related condition.

Allele frequency attached by ClinVar (database versions not stated): ESP Exome Variant Server 0.00023; 1000 Genomes Project 30x 0.00062; TOPMed 0.00066; 1000 Genomes Project 0.00080; gnomAD 0.00083; gnomAD exomes 0.00115; ExAC 0.00128.
gnomAD v4.1: 1,792 of 1,609,896 alleles (0.11%); highest among the groups gnomAD compares: South Asian, 0.24%; 3 homozygotes.

Submissions (3):

Labcorp Genetics (formerly Invitae), Labcorp
Classification: Benign. Last evaluated: 2025-05-27. Review status: criteria provided, single submitter. Criteria: Invitae Variant Classification Sherloc (09022015). Collection method: clinical testing. Allele origin: germline.

Blueprint Genetics
Classification: Likely benign. Last evaluated: 2024-11-27. Review status: criteria provided, single submitter. Criteria: ACMG Guidelines, 2015. Collection method: clinical testing. Allele origin: germline.

PreventionGenetics, part of Exact Sciences
Classification: Likely benign for SIPA1L3-related condition. Last evaluated: 2019-06-12. Review status: no assertion criteria provided. Collection method: clinical testing. Allele origin: germline. Not counted in ClinVar's aggregate classification.
Comment: This variant is classified as likely benign based on ACMG/AMP sequence variant interpretation guidelines (Richards et al. 2015 PMID: 25741868, with internal and published modifications).